The following is an entry in ClinVar:

ClinVar aggregate classification (germline): Pathogenic (1 of 4 stars; one submission).

Conditions:
Primary ciliary dyskinesia 3. Identifiers: Orphanet 244, MedGen C1837618, MONDO:0012085, OMIM 608644.

Submission:

Myriad Genetics, Inc.
Classification: Pathogenic for Primary ciliary dyskinesia 3. Last evaluated: 2024-05-14. Review status: criteria provided, single submitter. Criteria: Myriad Autosomal Dominant, Autosomal Recessive and X-Linked Classification Criteria (2023). Collection method: clinical testing. Allele origin: unknown.
Comment: NM_001369.2(DNAH5):c.9992_9993ins10(Q3331Hfs*13) is expected to be pathogenic in the context of primary ciliary dyskinesia, DNAH5-related. This variant is predicted to lead to an abnormal or absent protein product due to the creation of a premature termination codon in DNAH5, a gene where loss-of-function variants are known to be pathogenic. Please note: this variant was assessed in the context of healthy population screening.

NM_001369.3(DNAH5):c.9992_9993insTAATTATCTT (p.Gln3331fs)

Gene: DNAH5 (dynein axonemal heavy chain 5; minus strand). Cytogenetic location: 5p15.2.
Variant type: Insertion.
Coding change: c.9992_9993insTAATTATCTT on transcript NM_001369.3 (MANE Select); coding-DNA positions 9992 to 9993, TAATTATCTT inserted.
Protein change: p.Gln3331fs; shifts the reading frame from glutamine 3331.
Molecular consequence: frameshift variant.
Genome position: GRCh38 VCF-style: chr5-13766084-T-TAAGATAATTA. GRCh37 (hg19) VCF-style: chr5-13766193-T-TAAGATAATTA.
Other names: short protein forms Q3331fs.
Identifiers: ClinVar variation 5011176 (VCV005011176.1).